The following is an entry in ClinVar:

NM_001379500.1(COL18A1):c.3628C>G (p.Leu1210Val)

Genes: SLC19A1 (solute carrier family 19 member 1; minus strand), COL18A1 (collagen type XVIII alpha 1 chain; plus strand). Cytogenetic location: 21q22.3.
Variant type: single nucleotide variant.
Coding change: c.3628C>G on transcript NM_001379500.1 (MANE Select); coding-DNA position 3628, C replaced by G.
Protein change: p.Leu1210Val; replaces leucine 1210 with valine.
Molecular consequence: missense variant.
Genome position (GRCh38, 1-based): chr21:45,510,196, C>G. VCF-style: chr21-45510196-C-G. GRCh37 (hg19) VCF-style: chr21-46930110-C-G.
Other names: c.4159C>G, p.Leu1387Val (NM_030582.4); c.4864C>G, p.Leu1622Val (NM_130444.3); short protein forms L1210V, L1622V, L1387V.
Identifiers: ClinVar variation 1447299 (VCV001447299.6), dbSNP rs1225733574, ClinGen allele CA410501703.
Genomic context (GRCh38, chr21:45,510,196, plus strand): 5'-TTCCAGCAGGCGCGGGCCGTGGGGCTGGCGGGCACCTTCCGCGCCTTCCTGTCCTCGCGC[C>G]TGCAGGACCTGTACAGCATCGTGCGCCGTGCCGACCGCGCAGCCGTGCCCATCGTCAACC-3'
Protein context (NP_001366429.1, residues 1200-1220): GTFRAFLSSR[Leu1210Val]QDLYSIVRRA

ClinVar aggregate classification (germline): Uncertain significance (1 of 4 stars; one submission).

gnomAD v4.1: 1 of 1,601,280 alleles (0.000062%); highest among the groups gnomAD compares: African/African-American, 0.0013%; no homozygotes.

Submission:

Labcorp Genetics (formerly Invitae), Labcorp
Classification: Uncertain significance. Last evaluated: 2023-07-17. Review status: criteria provided, single submitter. Criteria: Invitae Variant Classification Sherloc (09022015). Collection method: clinical testing. Allele origin: germline.
Comment: This sequence change replaces leucine, which is neutral and non-polar, with valine, which is neutral and non-polar, at codon 1207 of the COL18A1 protein (p.Leu1207Val). This variant is not present in population databases (gnomAD no frequency). In summary, the available evidence is currently insufficient to determine the role of this variant in disease. Therefore, it has been classified as a Variant of Uncertain Significance. Experimental studies and prediction algorithms are not available or were not evaluated, and the functional significance of this variant is currently unknown. ClinVar contains an entry for this variant (Variation ID: 1447299). This variant has not been reported in the literature in individuals affected with COL18A1-related conditions.